The following continues an entry in ClinVar:

NM_000143.4(FH):c.521C>G (p.Pro174Arg)

Gene: FH. ClinVar aggregate classification (germline): Pathogenic/Likely pathogenic. Pathogenic (12); Likely pathogenic (4).

Submissions 8 to 21 of 21:

GeneDx
Classification: Pathogenic. Last evaluated: 2024-03-20. Review status: criteria provided, single submitter. Criteria: GeneDx Variant Classification Process June 2021. Collection method: clinical testing. Allele origin: germline. Affected: yes.
Comment: Observed multiple times with a pathogenic variant on the opposite allele (in trans) and in the homozygous state in unrelated patients with fumarate hydratase deficiency, including those whose lymphocytes demonstrated decreased fumarate hydratase activity (PMID: 12761039, 15987702, 16575891, 22595425, 22069215, 29052812); Heterozygous individuals in the literature and at GeneDx with this variant have not been reported to have features of hereditary leiomyomatosis and renal cell cancer (HLRCC); therefore, its association with HLRCC is uncertain (PMID: 22069215, 16575891); Published functional studies demonstrate reduced rate of conversion of fumarate and malate in vitro (PMID: 37255402); Not observed at significant frequency in large population cohorts (gnomAD); In silico analysis supports that this missense variant has a deleterious effect on protein structure/function; Also known as p.(Pro131Arg); This variant is associated with the following publications: (PMID: 29909963, 20549362, 16029320, 16575891, 26580448, 31831373, 25637381, 21445611, 22069215, 22595425, 12761039, 15987702, 29052812, 16237213, 29086383, 11865300, 32191290, 34308104, 37255402)

Baylor Genetics
Classification: Likely pathogenic for Fumarase deficiency. Last evaluated: 2024-02-16. Review status: criteria provided, single submitter. Criteria: ACMG Guidelines, 2015. Collection method: clinical testing. Allele origin: unknown.

Blueprint Genetics
Classification: Pathogenic for FH-related disorders. Last evaluated: 2023-03-27. Review status: criteria provided, single submitter. Criteria: ACMG Guidelines, 2015. Collection method: clinical testing. Allele origin: germline. Affected: yes. Observed: 5 variant alleles.

Quest Diagnostics Nichols Institute San Juan Capistrano
Classification: Pathogenic. Last evaluated: 2022-06-24. Review status: criteria provided, single submitter. Criteria: Quest Diagnostics criteria. Collection method: clinical testing. Allele origin: unknown.
Comment: The frequency of this variant in the general population, 0.000054 (7/129060 chromosomes), is consistent with pathogenicity. This variant has been detected in individuals with fumarase deficiency, who were compound heterozygous and homozygous for the variant (PMID: 22069215 (2012), 16575891 (2006), 12761039 (2003)). Additionally, the variant was shown to result in reduced enzyme activity (PMID: 12761039 (2003)). Based on the available information, this variant is classified as pathogenic.

ARUP Laboratories, Molecular Genetics and Genomics, ARUP Laboratories
Classification: Pathogenic. Last evaluated: 2020-12-05. Review status: criteria provided, single submitter. Criteria: ARUP Molecular Germline Variant Investigation Process 2021. Collection method: clinical testing. Allele origin: germline.

Academic Department of Medical Genetics, University of Cambridge
Classification: Likely pathogenic for Hereditary cancer-predisposing syndrome. Last evaluated: 2018-01-26. Review status: criteria provided, single submitter. Criteria: ACMG Guidelines, 2015. Collection method: research. Allele origin: germline. Affected: yes. Observed: 1 heterozygote.
Comment: Application of AMCG guidelines 2015. Used other ClinVar submission evidence where relevant. Loss of heterozygosity in tumours or immunohistochemistry abnormalities considered functional evidence of pathogenicity.

Identified as part of research study of individuals with multiple primary tumours referred for genetic assessment

Illumina Laboratory Services, Illumina
Classification: Likely pathogenic for Fumarase deficiency. Last evaluated: 2017-04-27. Review status: criteria provided, single submitter. Criteria: ICSL Variant Classification Criteria 09 May 2019. Collection method: clinical testing. Allele origin: germline.
Comment: The FH c.521C>G (p.Pro174Arg) missense variant has been reported in three studies in which it is found in a compound heterozygous state in four individuals with fumarate hydratase, two of whom were siblings with a severe phenotype who carried the p.Pro174Arg variant and a deletion in the FH gene (Alam et al. 2003; Mroch et al. 2012; Kimonis et al. 2012). Control data are unavailable for the p.Pro174Arg variant, which is reported at a frequency of 0.00045 in the African American population of the Exome Sequencing Project but this is based on two alleles only in a region of good sequencing coverage so the variant is presumed rare. Functional studies in patient skin fibroblasts and cells lines showed that the variant resulted in between 13 - 25% fumarase activity compared to controls (Alam et al. 2003; Kimonis et al. 2012). Based on the evidence the p.Pro174Arg variant is classified as likely pathogenic for fumarate hydratase deficiency. This variant was observed by ICSL as part of a predisposition screen in an ostensibly healthy population.

Eurofins Ntd Llc (ga)
Classification: Pathogenic. Last evaluated: 2013-03-06. Review status: criteria provided, single submitter. Criteria: EGL Classification Definitions 2015. Collection method: clinical testing. Allele origin: germline. Observed: 1 variant allele, 1 heterozygote.

Rady Children's Institute for Genomic Medicine, Rady Children's Hospital San Diego
Classification: Pathogenic for FH-related disorders. Review status: criteria provided, single submitter. Criteria: ACMG Guidelines, 2015. Collection method: clinical testing. Allele origin: germline. Affected: yes.
Comment: This variant has been previously reported as a compound heterozygous and homozygous change in patients with fumarase deficiency (PMID: 12761039, 22069215, 16575891). Functional studies showed that the c.521C>G (p.Pro174Arg) variant resulted in an increase in excretion of fumaric acid and reduced fumarase activity in fibroblast cells (PMID: 22595425, 12761039, 16575891). The c.521C>G (p.Pro174Arg) variant is present in the heterozygous state in the gnomAD population database at a frequency of 0.002% (7/282696) and is absent in the homozygous state, thus is presumed to be rare. The c.521C>G (p.Pro174Arg) variant affects a highly conserved amino acid and is predicted by multiple in silico tools to have a deleterious effect on protein function. Based on the available evidence, the c.521C>G (p.Pro174Arg) variant is classified as Pathogenic.

CSER _CC_NCGL, University of Washington
Classification: Likely benign for Fumarase deficiency. Last evaluated: 2014-06-01. Review status: no assertion criteria provided. Collection method: research. Allele origin: germline. Inheritance: Autosomal dominant inheritance. Study: ESP 6500 variant annotation. Not counted in ClinVar's aggregate classification.
Comment: Variants classified for the Actionable exomic incidental findings in 6503 participants: challenges of variant classification manuscript

OMIM
Classification: Pathogenic for FUMARASE DEFICIENCY. Last evaluated: 2012-01-01. Review status: no assertion criteria provided. Collection method: literature only. Allele origin: germline. Not counted in ClinVar's aggregate classification.

Blake Wilde Laboratory, Roswell Park Comprehensive Cancer Center
No classification provided (evidence only). Condition: Hereditary leiomyomatosis and renal cell cancer. Review status: no classification provided. Collection method: in vitro. Allele origin: not applicable. Functional consequence: decreased enzyme activity. Not counted in ClinVar's aggregate classification.

Diagnostic Laboratory, Department of Genetics, University Medical Center Groningen
Classification: Likely pathogenic. Review status: no assertion criteria provided. Collection method: clinical testing. Allele origin: germline. Affected: yes. Study: VKGL Data-share Consensus. Not counted in ClinVar's aggregate classification.

Joint Genome Diagnostic Labs from Nijmegen and Maastricht, Radboudumc and MUMC+
Classification: Pathogenic. Review status: no assertion criteria provided. Collection method: clinical testing. Allele origin: germline. Affected: yes. Study: VKGL Data-share Consensus. Not counted in ClinVar's aggregate classification.

Literature cited by the submitters: PubMed 16575891 (cited by 4 submitters); PubMed 22069215 (cited by 6 submitters); PubMed 12761039 (cited by 5 submitters); PubMed 22595425 (cited by 4 submitters); PubMed 11865300 (cited by Ambry Genetics); PubMed 29052812 (cited by Ambry Genetics and Women's Health and Genetics/Laboratory Corporation of America, LabCorp); PubMed 29909963 (cited by Ambry Genetics).